The following is an entry in ClinVar:

NM_001395891.1(CLASP1):c.196-589T>G

Genes: CLASP1 (cytoplasmic linker associated protein 1; minus strand), CLASP1-AS1 (CLASP1 antisense RNA 1; plus strand), RNU4ATAC (RNA, U4atac small nuclear; plus strand). Cytogenetic location: 2q14.2.
Variant type: single nucleotide variant.
Coding change: c.196-589T>G on transcript NM_001395891.1 (MANE Select); 589 bases into the intron before coding-DNA position 196, T replaced by G.
Molecular consequence: intron variant.
Genome position (GRCh38, 1-based): chr2:121,530,914, A>C on the plus strand (T>G on the coding strand, the complement: CLASP1 is on the minus strand). VCF-style: chr2-121530914-A-C. GRCh37 (hg19) VCF-style: chr2-122288490-A-C.
Other names: NM_001395891.1:c.196-589T>G; c.196-589T>G (NM_001142274.2, NM_015282.3, NM_001378003.1 and 4 more transcripts).
Identifiers: ClinVar variation 2674599 (VCV002674599.2), dbSNP rs771577373, ClinGen allele CA428887900.

ClinVar aggregate classification (germline): Likely pathogenic (1 of 4 stars; one submission).

Conditions:
RNU4ATAC spectrum disorder. Also called: RNU4atac-opathy. Identifiers: MedGen CN377746, MONDO:0100558.

gnomAD v4.1: 10 of 699,220 alleles (0.0014%); highest among the groups gnomAD compares: East Asian, 0.0027%; no homozygotes.

Submission:

Broad Center for Mendelian Genomics, Broad Institute of MIT and Harvard
Classification: Likely pathogenic for RNU4ATAC spectrum disorder. Last evaluated: 2023-12-21. Review status: criteria provided, single submitter. Criteria: ACMG Guidelines, 2015. Collection method: curation. Allele origin: germline. Inheritance: Autosomal recessive inheritance. Study: GREGoR Consortium.
Comment: Trio exome analysis revealed that this variant was in trans with the pathogenic variant. This variant has been identified in 0.004% (1/23470) of Ashkenazi Jewish chromosomes by the Genome Aggregation Database (gnomAD; dbSNP rs575472572). Although this variant has been seen in the general population in a heterozygous state, its frequency is low enough to be consistent with a recessive carrier frequency. RNAseq analysis performed on affected tissue shows signature of significant minor intron retention. However, these types of assays may not accurately represent biological function. The n.48G>A variant is located in the 5' stem loop region of RNU4ATAC where several other variants have been identified, suggesting that this variant is in a functional domain and supports pathogenicity (PMID: 26522830, 32628740). In summary, although additional studies are required to fully establish its clinical significance, this variant is likely pathogenic for autosomal recessive RNU4ATAC spectrum disorder. ACMG/AMP Criteria applied: PS3, PM1, PM3, PM2_supporting (Richards 2015).